The following is an entry in ClinVar:

NM_000490.5(AVP):c.175T>C (p.Cys59Arg)

Gene: AVP (arginine vasopressin; minus strand). Cytogenetic location: 20p13.
Variant type: single nucleotide variant.
Coding change: c.175T>C on transcript NM_000490.5 (MANE Select); coding-DNA position 175, T replaced by C.
Protein change: p.Cys59Arg; replaces cysteine 59 with arginine.
Molecular consequence: missense variant.
Genome position (GRCh38, 1-based): chr20:3,083,124, A>G on the plus strand (T>C on the coding strand, the complement: AVP is on the minus strand). VCF-style: chr20-3083124-A-G. GRCh37 (hg19) VCF-style: chr20-3063770-A-G.
Other names: short protein forms C59R.
Identifiers: ClinVar variation 3723691 (VCV003723691.2).

ClinVar aggregate classification (germline): Uncertain significance (1 of 4 stars; one submission).

Submission:

Labcorp Genetics (formerly Invitae), Labcorp
Classification: Uncertain significance. Last evaluated: 2024-05-15. Review status: criteria provided, single submitter. Criteria: Invitae Variant Classification Sherloc (09022015). Collection method: clinical testing. Allele origin: germline.
Comment: This sequence change replaces cysteine, which is neutral and slightly polar, with arginine, which is basic and polar, at codon 59 of the AVP protein (p.Cys59Arg). This variant is not present in population databases (gnomAD no frequency). This missense change has been observed in individual(s) with diabetes insipidus, neurohypophyseal (PMID: 12359138). This variant is also known as Cys28Arg. An algorithm developed to predict the effect of missense changes on protein structure and function (PolyPhen-2) suggests that this variant is likely to be disruptive. This variant disrupts the p.Cys59 amino acid residue in AVP. Other variant(s) that disrupt this residue have been determined to be pathogenic (PMID: 11150885). This suggests that this residue is clinically significant, and that variants that disrupt this residue are likely to be disease-causing. In summary, the available evidence is currently insufficient to determine the role of this variant in disease. Therefore, it has been classified as a Variant of Uncertain Significance.

Literature cited by the submitters: PubMed 12359138; PubMed 11150885.